The following is an entry in ClinVar:

NM_000059.4(BRCA2):c.8454T>A (p.Val2818=)

Gene: BRCA2 (BRCA2 DNA repair associated; plus strand). Cytogenetic location: 13q13.1.
Variant type: single nucleotide variant.
Coding change: c.8454T>A on transcript NM_000059.4 (MANE Select); coding-DNA position 8454, T replaced by A.
Protein change: p.Val2818=; no amino-acid change (valine 2818 retained).
Molecular consequence: synonymous variant. On other transcripts: non-coding transcript variant (1).
Genome position (GRCh38, 1-based): chr13:32,370,524, T>A. VCF-style: chr13-32370524-T-A. GRCh37 (hg19) VCF-style: chr13-32944661-T-A.
Other names: c.8358T>A, p.Val2786= (NM_001406719.1); c.8454T>A, p.Val2818= (NM_001406720.1, NM_001432077.1); c.3522T>A, p.Val1174= (NM_001406721.1); c.2037T>A, p.Val679= (NM_001406722.1).
Identifiers: ClinVar variation 3572368 (VCV003572368.2).
Genomic context (GRCh38, chr13:32,370,524, plus strand): 5'-TAGACCTTTTCCTCTGCCCTTATCATCGCTTTTCAGTGATGGAGGAAATGTTGGTTGTGT[T>A]GATGTAATTATTCAAAGAGCATACCCTATACAGGTATGATGTATTCTTGAAACTTACCAT-3'
Protein context (NP_000050.3, residues 2808-2828): LFSDGGNVGC[Val2818=]DVIIQRAYPI

ClinVar aggregate classification (germline): Conflicting classifications of pathogenicity. Review status: criteria provided, conflicting classifications (1 of 4 stars). 2 submissions from 2 submitters: Uncertain significance (1); Likely benign (1). Last evaluated 2025-06-24.

Conditions:
Hereditary cancer-predisposing syndrome. Also called: Hereditary Cancer Syndrome; Hereditary neoplastic syndrome; Tumor predisposition; Neoplastic Syndromes, Hereditary. Identifiers: Orphanet 140162, MedGen C0027672, MeSH D009386, MONDO:0015356.

Submissions (2):

Ambry Genetics
Classification: Likely benign for Hereditary cancer-predisposing syndrome. Last evaluated: 2025-06-24. Review status: criteria provided, single submitter. Criteria: Ambry Variant Classification Scheme 2023. Collection method: clinical testing. Allele origin: germline.

Quest Diagnostics Nichols Institute San Juan Capistrano
Classification: Uncertain significance. Last evaluated: 2024-10-30. Review status: criteria provided, single submitter. Criteria: Quest Diagnostics criteria. Collection method: clinical testing. Allele origin: unknown.
Comment: The BRCA2 c.8454T (p.Val2818=) synonymous variant has not been reported in individuals with BRCA2-related conditions in the published literature. It also has not been reported in large, multi-ethnic general populations (Genome Aggregation Database). Analysis of this variant using software algorithms for the prediction of the effect of nucleotide changes on splicing yielded predictions that this variant does not affect BRCA2 mRNA splicing. Based on the available information, we are unable to determine the clinical significance of this variant.